The following is an entry in ClinVar:

ClinVar aggregate classification (germline): Uncertain significance (1 of 4 stars; one submission).

Submission:

Women's Health and Genetics/Laboratory Corporation of America, LabCorp
Classification: Uncertain significance. Last evaluated: 2026-05-27. Review status: criteria provided, single submitter. Criteria: LabCorp Variant Classification Summary - May 2015. Collection method: clinical testing. Allele origin: germline.
Comment: Variant summary: POLR1A c.3607T>C (p.Ser1203Pro) results in a non-conservative amino acid change in the encoded protein sequence. Algorithms developed to predict the effect of missense changes on protein structure and function are either unavailable or do not agree on the potential impact of this missense change. The variant was absent in 233924 control chromosomes. The available data on variant occurrences in the general population are insufficient to allow any conclusion about variant significance. To our knowledge, no occurrence of c.3607T>C in individuals affected with POLR1A-related conditions and no experimental evidence demonstrating its impact on protein function have been reported. No submitters have cited clinical-significance assessments for this variant to ClinVar. Based on the evidence outlined above, the variant was classified as uncertain significance.

NM_015425.6(POLR1A):c.3607T>C (p.Ser1203Pro)

Gene: POLR1A (RNA polymerase I subunit A; minus strand). Cytogenetic location: 2p11.2.
Variant type: single nucleotide variant.
Coding change: c.3607T>C on transcript NM_015425.6 (MANE Select); coding-DNA position 3607, T replaced by C.
Protein change: p.Ser1203Pro; replaces serine 1203 with proline.
Molecular consequence: missense variant.
Genome position (GRCh38, 1-based): chr2:86,040,525, A>G on the plus strand (T>C on the coding strand, the complement: POLR1A is on the minus strand). VCF-style: chr2-86040525-A-G. GRCh37 (hg19) VCF-style: chr2-86267648-A-G.
Other names: short protein forms S1203P.
Identifiers: ClinVar variation 4853644 (VCV004853644.1).
Genomic context (GRCh38, chr2:86,040,525, plus strand): 5'-AGGGCTCTCCGATGCTCTGGGCAGCCAGCAGGCCCACAGCCTCGCCCGGCTCACACAGTG[A>G]GCGCTGCCACTTCAGCTGCAGCAAGGTCCTCAACCTAGAGACGGTGGTGGGGGGTCAGGG-3'
Protein context (NP_056240.2, residues 1193-1213): RTLLQLKWQR[Ser1203Pro]LCEPGEAVGL